The following is an entry in ClinVar:

NM_004519.4(KCNQ3):c.1766C>T (p.Ser589Leu)

Gene: KCNQ3 (potassium voltage-gated channel subfamily Q member 3; minus strand). Cytogenetic location: 8q24.22.
Variant type: single nucleotide variant.
Coding change: c.1766C>T on transcript NM_004519.4 (MANE Select); coding-DNA position 1766, C replaced by T.
Protein change: p.Ser589Leu; replaces serine 589 with leucine.
Molecular consequence: missense variant.
Genome position (GRCh38, 1-based): chr8:132,134,323, G>A on the plus strand (C>T on the coding strand, the complement: KCNQ3 is on the minus strand). VCF-style: chr8-132134323-G-A. GRCh37 (hg19) VCF-style: chr8-133146570-G-A.
Other names: c.1406C>T, p.Ser469Leu (NM_001204824.2); short protein forms S469L, S589L.
Identifiers: ClinVar variation 1024659 (VCV001024659.9), dbSNP rs1824994797, ClinGen allele CA372218119.

ClinVar aggregate classification (germline): Uncertain significance (1 of 4 stars; one submission).

Conditions:
Benign neonatal seizures. Also called: Convulsions benign familial neonatal dominant form; Autosomal dominant form of benign neonatal seizures; Benign familial neonatal seizures; Benign neonatal familial convulsions; Benign familial neonatal epilepsy. Identifiers: Orphanet 1949, MedGen C0220669, MONDO:0016027.

Submission:

Labcorp Genetics (formerly Invitae), Labcorp
Classification: Uncertain significance for Benign neonatal seizures. Last evaluated: 2020-05-06. Review status: criteria provided, single submitter. Criteria: Invitae Variant Classification Sherloc (09022015). Collection method: clinical testing. Allele origin: germline.
Comment: In summary, the available evidence is currently insufficient to determine the role of this variant in disease. Therefore, it has been classified as a Variant of Uncertain Significance. Algorithms developed to predict the effect of missense changes on protein structure and function (SIFT, PolyPhen-2, Align-GVGD) all suggest that this variant is likely to be tolerated, but these predictions have not been confirmed by published functional studies and their clinical significance is uncertain. This variant has not been reported in the literature in individuals with KCNQ3-related conditions. This variant is not present in population databases (ExAC no frequency). This sequence change replaces serine with leucine at codon 589 of the KCNQ3 protein (p.Ser589Leu). The serine residue is weakly conserved and there is a large physicochemical difference between serine and leucine.